The following is an entry in ClinVar:

NM_198578.4(LRRK2):c.5200T>C (p.Trp1734Arg)

Gene: LRRK2 (leucine rich repeat kinase 2; plus strand). Cytogenetic location: 12q12.
Variant type: single nucleotide variant.
Coding change: c.5200T>C on transcript NM_198578.4 (MANE Select); coding-DNA position 5200, T replaced by C.
Protein change: p.Trp1734Arg; replaces tryptophan 1734 with arginine.
Molecular consequence: missense variant.
Genome position (GRCh38, 1-based): chr12:40,322,064, T>C. VCF-style: chr12-40322064-T-C. GRCh37 (hg19) VCF-style: chr12-40715866-T-C.
Other names: short protein forms W1734R.
Identifiers: ClinVar variation 3540769 (VCV003540769.1).
Genomic context (GRCh38, chr12:40,322,064, plus strand): 5'-GCAGTTAATAATTAATGGCTCCATTTTTTAGAACGAGCACTTCGCCCAAACAGAATGTAT[T>C]GGCGACAAGGCATTTACTTAAATTGGTCTCCTGAAGCTTATTGTCTGGTAGGATCTGAAG-3'
Protein context (NP_940980.4, residues 1724-1744): ERALRPNRMY[Trp1734Arg]RQGIYLNWSP

ClinVar aggregate classification (germline): Uncertain significance (1 of 4 stars; one submission).

Conditions:
Inborn genetic diseases. Identifiers: MedGen C0950123, MeSH D030342.

Submission:

Ambry Genetics
Classification: Uncertain significance for Inborn genetic diseases. Last evaluated: 2024-11-03. Review status: criteria provided, single submitter. Criteria: Ambry Variant Classification Scheme 2023. Collection method: clinical testing. Allele origin: germline.
Comment: The p.W1734R variant (also known as c.5200T>C), located in coding exon 36 of the LRRK2 gene, results from a T to C substitution at nucleotide position 5200. The tryptophan at codon 1734 is replaced by arginine, an amino acid with dissimilar properties. This amino acid position is conserved. In addition, this alteration is predicted to be deleterious by in silico analysis. Based on the available evidence, the clinical significance of this variant remains unclear.